The following is an entry in ClinVar:

NM_173728.4(ARHGEF15):c.806C>T (p.Thr269Ile)

Gene: ARHGEF15 (Rho guanine nucleotide exchange factor 15; plus strand). Cytogenetic location: 17p13.1.
Variant type: single nucleotide variant.
Coding change: c.806C>T on transcript NM_173728.4 (MANE Select); coding-DNA position 806, C replaced by T.
Protein change: p.Thr269Ile; replaces threonine 269 with isoleucine.
Molecular consequence: missense variant.
Genome position (GRCh38, 1-based): chr17:8,313,126, C>T. VCF-style: chr17-8313126-C-T. GRCh37 (hg19) VCF-style: chr17-8216444-C-T.
Other names: c.806C>T (NM_173728.3); c.806C>T, p.Thr269Ile (NM_025014.2); short protein forms T269I.
Identifiers: ClinVar variation 1024316 (VCV001024316.10), dbSNP rs1312470821, ClinGen allele CA398016297.

ClinVar aggregate classification (germline): Uncertain significance. Review status: criteria provided, multiple submitters, no conflicts (2 of 4 stars). 2 submissions from 2 submitters: Uncertain significance (2). Last evaluated 2024-01-08.

Conditions:
Early-infantile DEE. Also called: Ohtahara syndrome; Early infantile epileptic encephalopathy; Early infantile epileptic encephalopathy with suppression bursts. Identifiers: Orphanet 1934, MedGen C0393706, MONDO:0800491.

Submissions (2):

Ambry Genetics
Classification: Uncertain significance. Last evaluated: 2024-01-08. Review status: criteria provided, single submitter. Criteria: Ambry Variant Classification Scheme 2023. Collection method: clinical testing. Allele origin: germline.

Labcorp Genetics (formerly Invitae), Labcorp
Classification: Uncertain significance for Early-infantile DEE. Last evaluated: 2022-10-21. Review status: criteria provided, single submitter. Criteria: Invitae Variant Classification Sherloc (09022015). Collection method: clinical testing. Allele origin: germline.
Comment: This variant has not been reported in the literature in individuals affected with ARHGEF15-related conditions. In summary, the available evidence is currently insufficient to determine the role of this variant in disease. Therefore, it has been classified as a Variant of Uncertain Significance. Algorithms developed to predict the effect of missense changes on protein structure and function are either unavailable or do not agree on the potential impact of this missense change (SIFT: "Deleterious"; PolyPhen-2: "Benign"; Align-GVGD: "Class C0"). ClinVar contains an entry for this variant (Variation ID: 1024316). This variant is present in population databases (no rsID available, gnomAD 0.0009%). This sequence change replaces threonine, which is neutral and polar, with isoleucine, which is neutral and non-polar, at codon 269 of the ARHGEF15 protein (p.Thr269Ile).